The following is an entry in ClinVar:

NM_000095.3(COMP):c.762+1G>A

Gene: COMP (cartilage oligomeric matrix protein; minus strand). Cytogenetic location: 19p13.11.
Variant type: single nucleotide variant.
Coding change: c.762+1G>A on transcript NM_000095.3 (MANE Select); the canonical splice donor site of the intron after coding-DNA position 762, G replaced by A.
Molecular consequence: splice donor variant.
Genome position (GRCh38, 1-based): chr19:18,788,591, C>T on the plus strand (G>A on the coding strand, the complement: COMP is on the minus strand). VCF-style: chr19-18788591-C-T. GRCh37 (hg19) VCF-style: chr19-18899400-C-T.
Identifiers: ClinVar variation 429642 (VCV000429642.6), dbSNP rs755374221, ClinGen allele CA9316645.
Genomic context (GRCh38, chr19:18,788,591, plus strand): 5'-GTGGGTGCCCTGGAGTGGCCGCCACCCAACCCCGCCTCAAGCCCAGCCCGCCCGCACTCA[C>T]CACGCACGACCGCGAGCCATCGCGCTCTAGGACGCAGTCTGCATGCTCGTGGCACTCGCT-3'

ClinVar aggregate classification (germline): Conflicting classifications of pathogenicity. Review status: criteria provided, conflicting classifications (1 of 4 stars). 2 submissions from 2 submitters: Likely pathogenic (1); Uncertain significance (1). Last evaluated 2025-09-24.

Allele frequency attached by ClinVar (database versions not stated): gnomAD 0.00001; gnomAD exomes 0.00001; ExAC 0.00006.
gnomAD v4.1: 1 of 1,554,208 alleles (0.000064%); highest among the groups gnomAD compares: Non-Finnish European, 0.000087%; no homozygotes.

Submissions (2):

GeneDx
Classification: Likely pathogenic. Last evaluated: 2025-09-24. Review status: criteria provided, single submitter. Criteria: GeneDx Variant Classification Process June 2021. Collection method: clinical testing. Allele origin: germline. Affected: yes.
Comment: Not observed at significant frequency in large population cohorts (gnomAD); Canonical splice site variant with an unclear effect on protein function; Has not been previously published as pathogenic or benign to our knowledge

Labcorp Genetics (formerly Invitae), Labcorp
Classification: Uncertain significance. Last evaluated: 2023-08-27. Review status: criteria provided, single submitter. Criteria: Invitae Variant Classification Sherloc (09022015). Collection method: clinical testing. Allele origin: germline.
Comment: In summary, the available evidence is currently insufficient to determine the role of this variant in disease. Therefore, it has been classified as a Variant of Uncertain Significance. Algorithms developed to predict the effect of sequence changes on RNA splicing suggest that this variant may disrupt the consensus splice site. ClinVar contains an entry for this variant (Variation ID: 429642). This variant has not been reported in the literature in individuals affected with COMP-related conditions. This variant is present in population databases (rs755374221, gnomAD 0.002%). This sequence change affects a donor splice site in intron 7 of the COMP gene. It is expected to disrupt RNA splicing. Variants that disrupt the donor or acceptor splice site typically lead to a loss of protein function (PMID: 16199547), however the current clinical and genetic evidence is not sufficient to establish whether loss-of-function variants in COMP cause disease.

Literature cited by the submitters: PubMed 16199547 (cited by Labcorp Genetics (formerly Invitae), Labcorp).